The following is an entry in ClinVar:

ClinVar aggregate classification (germline): Pathogenic. Review status: criteria provided, multiple submitters, no conflicts (2 of 4 stars). 17 submissions from 16 submitters: Pathogenic (14). 3 of the submissions do not count toward it. Last evaluated 2025-01-13.

Conditions:
Wolfram-like syndrome. Also called: HEARING LOSS, PROGRESSIVE, WITH OPTIC ATROPHY AND/OR IMPAIRED GLUCOSE REGULATION. Identifiers: Orphanet 411590, MedGen C3280358, MONDO:0013673, OMIM 614296.
Wolfram syndrome 1 (WFS1). Identifiers: Orphanet 3463, MedGen C4551693, MONDO:0009101, OMIM 222300.
Optic atrophy. Identifiers: MedGen C0029124, MONDO:0003608, HP:0000648.
WFS1-related disorder. Identifiers: MedGen CN379391, MONDO:0700293.
WFS1-Related Spectrum Disorders.
Type 2 diabetes mellitus. Also called: Type II diabetes mellitus. Identifiers: MedGen C0011860, MeSH D003924, MONDO:0005148, OMIM 125853, HP:0005978.
Cataract 41 (CTRCT41). Also called: CATARACT 41, CONGENITAL NUCLEAR TYPE. Identifiers: Orphanet 91492, Orphanet 98991, Orphanet 98992, Orphanet 98995, MedGen C3805412, MONDO:0007287, OMIM 116400.
Autosomal dominant nonsyndromic hearing loss 6 (LFSNHL). Also called: DEAFNESS, AUTOSOMAL DOMINANT 6; DEAFNESS, AUTOSOMAL DOMINANT 14; DEAFNESS, AUTOSOMAL DOMINANT 38; Autosomal dominant nonsyndromic deafness 6. Identifiers: Orphanet 90635, MedGen C1833021, MONDO:0010963, OMIM 600965.

Submissions (17):

Revvity Omics, Revvity
Classification: Pathogenic. Last evaluated: 2025-01-13. Review status: criteria provided, single submitter. Criteria: ACMG Guidelines, 2015. Collection method: clinical testing. Allele origin: germline.

Labcorp Genetics (formerly Invitae), Labcorp
Classification: Pathogenic. Last evaluated: 2024-10-29. Review status: criteria provided, single submitter. Criteria: Invitae Variant Classification Sherloc (09022015). Collection method: clinical testing. Allele origin: germline.
Comment: This sequence change creates a premature translational stop signal (p.Val412Serfs*29) in the WFS1 gene. While this is not anticipated to result in nonsense mediated decay, it is expected to disrupt the last 479 amino acid(s) of the WFS1 protein. This variant is present in population databases (rs760337383, gnomAD 0.01%). This premature translational stop signal has been observed in individual(s) with autosomal recessive Wolfram syndrome (PMID: 11295831, 15605410, 22238590, 31600780). In at least one individual the data is consistent with being in trans (on the opposite chromosome) from a pathogenic variant. ClinVar contains an entry for this variant (Variation ID: 429753). For these reasons, this variant has been classified as Pathogenic.

Fulgent Genetics
Classification: Pathogenic for Cataract 41; Type 2 diabetes mellitus; Wolfram syndrome 1; Autosomal dominant nonsyndromic hearing loss 6; Wolfram-like syndrome. Last evaluated: 2024-05-18. Review status: criteria provided, single submitter. Criteria: ACMG Guidelines, 2015. Collection method: clinical testing. Allele origin: germline.

Laboratorio de Genetica e Diagnostico Molecular, Hospital Israelita Albert Einstein
Classification: Pathogenic for Wolfram syndrome 1. Last evaluated: 2024-02-22. Review status: criteria provided, single submitter. Criteria: ACMG Guidelines, 2015. Collection method: clinical testing. Allele origin: germline. Affected: yes. Observed: 2 variant alleles.
Comment: ACMG classification criteria: PVS1 strong, PM3 very strong, PM2 supporting, PP4 supporting.

Laboratorio de Genetica e Diagnostico Molecular, Hospital Israelita Albert Einstein
Classification: Pathogenic. Last evaluated: 2024-01-31. Review status: criteria provided, single submitter. Criteria: ACMG Guidelines, 2015. Collection method: clinical testing. Allele origin: germline. Affected: yes.
Comment: ACMG classification criteria: PVS1_strong, PM2_supporting, PM3_very strong, PP4_supporting

Department of Pathology and Laboratory Medicine, Sinai Health System
Classification: Pathogenic for Wolfram-like syndrome; Wolfram syndrome 1. Last evaluated: 2023-10-18. Review status: criteria provided, single submitter. Criteria: ACMG Guidelines, 2015. Collection method: research. Allele origin: germline.

PreventionGenetics, part of Exact Sciences
Classification: Pathogenic for WFS1-related condition. Last evaluated: 2023-09-25. Review status: criteria provided, single submitter. Criteria: ACMG Guidelines, 2015. Collection method: clinical testing. Allele origin: germline.
Comment: The WFS1 c.1230_1233delCTCT variant is predicted to result in a frameshift and premature protein termination (p.Val412Serfs*29). This variant has been reported to be causative for autosomal recessive Wolfram syndrome (Reported as 1387delCTCT in Tessa et al. 2001. PubMed ID: 11295831; Marshall et al. 2013. PubMed ID: 23981289). It is interpreted as pathogenic by multiple independent submitters to the ClinVar database. This variant is reported in 0.011% of alleles in individuals of Latino descent in gnomAD. Frameshift variants in WFS1 are a commonly documented cause of Wolfram syndrome (Human Gene Mutation Database). In summary, this variant is interpreted as pathogenic.

Blueprint Genetics
Classification: Pathogenic for WFS1-related disorders. Last evaluated: 2023-01-10. Review status: criteria provided, single submitter. Criteria: ACMG Guidelines, 2015. Collection method: clinical testing. Allele origin: germline. Affected: yes. Observed: 5 variant alleles.

GeneDx
Classification: Pathogenic. Last evaluated: 2022-07-18. Review status: criteria provided, single submitter. Criteria: GeneDx Variant Classification Process June 2021. Collection method: clinical testing. Allele origin: germline. Affected: yes.
Comment: Frameshift variant predicted to result in protein truncation in a gene for which loss-of-function is a known mechanism of disease; This variant is associated with the following publications: (PMID: 20972738, 20738327, 27412528, 18566338, 29728875, 26025012, 11295831, 19042979, 12955714, 15605410, 23845777, 22238590, 29183106, 31600780, 32005694, 31589614, 34356170)

Institute of Human Genetics, Univ. Regensburg, Univ. Regensburg
Classification: Pathogenic for Optic atrophy. Last evaluated: 2020-01-01. Review status: criteria provided, single submitter. Criteria: ACMG Guidelines, 2015. Collection method: clinical testing. Allele origin: germline. Affected: yes.

Illumina Laboratory Services, Illumina
Classification: Pathogenic for WFS1-Related Spectrum Disorders. Last evaluated: 2018-11-02. Review status: criteria provided, single submitter. Criteria: ICSL Variant Classification Criteria 09 May 2019. Collection method: clinical testing. Allele origin: germline.
Comment: The WFS1 c.1230_1233delCTCT (p.Val412SerfsTer29) variant results in a frameshift and is predicted to result in premature termination of the protein. Across a selection of the available literature, the p.Val412SerfsTer29 variant, also known as c.1228_1231delCTCT and c.1234_1237delGTCT, has been identified in a homozygous state in 10 individuals and in a compound heterozygous state in 19 individuals, all of whom were diagnosed with Wolfram syndrome (Giuliano et al. 2005; d'Annunzio et al. 2008; Gasparin et al. 2009; Chaussenot et al. 2011; Sobhani et al. 2013; Aloi et al. 2013; Bischoff et al. 2015; Pedroso et al. 2015). To date, this variant has not been reported in association with autosomal dominant phenotypes. This variant was absent from 200 control chromosomes (Gasparin et al. 2009; Aloi et al. 2013) and is reported at a frequency of 0.00005 in the European (non-Finnish) population of the Exome Aggregation Consortium. Based on the collective evidence and the potential impact of frameshift variants, the p. Val412SerfsTer29 variant is classified as pathogenic for WFS1-related spectrum disorders. This variant was observed by ICSL as part of a predisposition screen in an ostensibly healthy population.

Juno Genomics, Hangzhou Juno Genomics, Inc
Classification: Pathogenic for Cataract 41; Autosomal dominant nonsyndromic hearing loss 6; Wolfram syndrome 1; Wolfram-like syndrome; Type 2 diabetes mellitus. Review status: criteria provided, single submitter. Criteria: ACMG Guidelines, 2015. Collection method: clinical testing. Allele origin: germline. Affected: yes.
Comment: Null variant in a gene where loss of function (LOF) is a known mechanism of disease.;Absent from controls (or at extremely low frequency if recessive) in Genome Aggregation Database, Exome Sequencing Project, 1000 Genomes Project, or Exome Aggregation Consortium.;For recessive disorders, detected in trans with a pathogenic variant.;Co-segregation with disease in multiple affected family members in a gene definitively known to cause the disease.

Molecular Endocrinology Laboratory, Christian Medical College
Classification: Pathogenic for Wolfram syndrome 1. Review status: criteria provided, single submitter. Criteria: ACMG Guidelines, 2015. Collection method: clinical testing. Allele origin: germline. Affected: yes.

Neuberg Centre For Genomic Medicine, NCGM
Classification: Pathogenic for Wolfram syndrome 1. Review status: criteria provided, single submitter. Criteria: ACMG Guidelines, 2015. Collection method: clinical testing. Allele origin: germline. Inheritance: Autosomal recessive inheritance. Affected: yes.
Comment: The WFS1 c.1230_1233del (p.Val412SerfsTer29) variant has been reported in homozygous state in individuals affected with Wolfram syndrome 1 (Tessa et al., 2001). This variant is reported with the allele frequency (0.003536%) in the gnomad and novel in 1000 genome database. It has been submitted to ClinVar as Pathogenic. This variant causes a frameshift starting with codon Valine 412, changes this amino acid to Serine residue, and creates a premature Stop codon at position 29 of the new reading frame, denoted p.Val412SerfsTer29. This variant is predicted to cause loss of normal protein function through protein truncation. Loss of function variants have been previously reported to be disease causing. For these reasons, this variant has been classified as Pathogenic.

OMIM
Classification: Pathogenic for WOLFRAM SYNDROME 1. Last evaluated: 2001-04-01. Review status: no assertion criteria provided. Collection method: literature only. Allele origin: germline. Not counted in ClinVar's aggregate classification.

Genome Diagnostics Laboratory, Amsterdam University Medical Center
Classification: Pathogenic. Review status: no assertion criteria provided. Collection method: clinical testing. Allele origin: germline. Affected: yes. Study: VKGL Data-share Consensus. Not counted in ClinVar's aggregate classification.

Laboratory of Diagnostic Genome Analysis, Leiden University Medical Center (LUMC)
Classification: Pathogenic. Review status: no assertion criteria provided. Collection method: clinical testing. Allele origin: germline. Affected: yes. Study: VKGL Data-share Consensus. Not counted in ClinVar's aggregate classification.

Literature cited by the submitters: PubMed 11295831 (cited by 3 submitters); PubMed 15605410 (cited by Labcorp Genetics (formerly Invitae), Labcorp and Illumina Laboratory Services, Illumina); PubMed 22238590 (cited by Labcorp Genetics (formerly Invitae), Labcorp and Illumina Laboratory Services, Illumina); PubMed 31600780 (cited by Labcorp Genetics (formerly Invitae), Labcorp and Institute of Human Genetics, Univ. Regensburg, Univ. Regensburg); PubMed 29183106 (cited by Institute of Human Genetics, Univ. Regensburg, Univ. Regensburg); PubMed 31589614 (cited by Institute of Human Genetics, Univ. Regensburg, Univ. Regensburg); PubMed 32005694 (cited by Institute of Human Genetics, Univ. Regensburg, Univ. Regensburg); PubMed 34356170 (cited by Institute of Human Genetics, Univ. Regensburg, Univ. Regensburg); PubMed 35018440 (cited by Institute of Human Genetics, Univ. Regensburg, Univ. Regensburg); PubMed 36147510 (cited by Institute of Human Genetics, Univ. Regensburg, Univ. Regensburg); PubMed 26017216 (cited by Illumina Laboratory Services, Illumina); PubMed 26025012 (cited by Illumina Laboratory Services, Illumina); PubMed 18566338 (cited by Illumina Laboratory Services, Illumina); PubMed 21446023 (cited by Illumina Laboratory Services, Illumina); PubMed 23845777 (cited by Illumina Laboratory Services, Illumina); PubMed 19042979 (cited by Illumina Laboratory Services, Illumina and Molecular Endocrinology Laboratory, Christian Medical College).

NM_006005.3(WFS1):c.1230_1233del (p.Val412fs)

Gene: WFS1 (wolframin ER transmembrane glycoprotein; plus strand). Cytogenetic location: 4p16.1.
Variant type: Microsatellite.
Coding change: c.1230_1233del on transcript NM_006005.3 (MANE Select); coding-DNA positions 1230 to 1233, 4 bases deleted (CTCT; older notation c.1230_1233delCTCT).
Protein change: p.Val412fs; shifts the reading frame from valine 412.
Molecular consequence: frameshift variant.
Genome position (GRCh38, 1-based): chr4:6,301,025-6,301,028, CTCT deleted; deleting any 4 consecutive bases within chr4:6,301,023-6,301,028 gives the same sequence; the c. name uses the placement nearest the transcript's 3' end. VCF-style (leftmost placement, unchanged base first): chr4-6301022-GCTCT-G. GRCh37 (hg19) VCF-style: chr4-6302749-GCTCT-G.
Other names: c.1230_1233del, p.Val412fs (NM_001145853.1); c.1230_1233delCTCT (NM_006005.3); c.1228_1231delCTCT (NM_006005.3); c.1228_1231del (NM_006005.3); short protein forms V412fs.
Identifiers: ClinVar variation 429753 (VCV000429753.44), dbSNP rs760337383, ClinGen allele CA2839270.